The following is an entry in ClinVar:

ClinVar aggregate classification (germline): Uncertain significance (1 of 4 stars; one submission).

Allele frequency attached by ClinVar (database versions not stated): gnomAD exomes below 0.00001; gnomAD 0.00001; TOPMed 0.00001.
gnomAD v4.1: 2 of 1,612,874 alleles (0.00012%); highest among the groups gnomAD compares: East Asian, 0.0045%; no homozygotes.

Submission:

Labcorp Genetics (formerly Invitae), Labcorp
Classification: Uncertain significance. Last evaluated: 2022-08-16. Review status: criteria provided, single submitter. Criteria: Invitae Variant Classification Sherloc (09022015). Collection method: clinical testing. Allele origin: germline.
Comment: This sequence change replaces aspartic acid, which is acidic and polar, with histidine, which is basic and polar, at codon 66 of the MCM4 protein (p.Asp66His). This variant is not present in population databases (gnomAD no frequency). This variant has not been reported in the literature in individuals affected with MCM4-related conditions. ClinVar contains an entry for this variant (Variation ID: 1367917). Algorithms developed to predict the effect of missense changes on protein structure and function are either unavailable or do not agree on the potential impact of this missense change (SIFT: "Deleterious"; PolyPhen-2: "Benign"; Align-GVGD: "Class C0"). In summary, the available evidence is currently insufficient to determine the role of this variant in disease. Therefore, it has been classified as a Variant of Uncertain Significance.

NM_182746.3(MCM4):c.196G>C (p.Asp66His)

Gene: MCM4 (minichromosome maintenance complex component 4; plus strand). Cytogenetic location: 8q11.21.
Variant type: single nucleotide variant.
Coding change: c.196G>C on transcript NM_182746.3 (MANE Select); coding-DNA position 196, G replaced by C.
Protein change: p.Asp66His; replaces aspartic acid 66 with histidine.
Molecular consequence: missense variant.
Genome position (GRCh38, 1-based): chr8:47,961,641, G>C. VCF-style: chr8-47961641-G-C. GRCh37 (hg19) VCF-style: chr8-48874201-G-C.
Other names: c.196G>C, p.Asp66His (NM_005914.4); short protein forms D66H.
Identifiers: ClinVar variation 1367917 (VCV001367917.6), dbSNP rs1056790, ClinGen allele CA371145052.